The following is an entry in ClinVar:

NM_001384910.1(GUCA1A):c.250C>T (p.Leu84Phe)

Genes: GUCA1A (guanylate cyclase activator 1A; plus strand), GUCA1ANB-GUCA1A (GUCA1ANB-GUCA1A readthrough; plus strand). Cytogenetic location: 6p21.1.
Variant type: single nucleotide variant.
Coding change: c.250C>T on transcript NM_001384910.1 (MANE Select); coding-DNA position 250, C replaced by T.
Protein change: p.Leu84Phe; replaces leucine 84 with phenylalanine.
Molecular consequence: missense variant.
Genome position (GRCh38, 1-based): chr6:42,178,328, C>T. VCF-style: chr6-42178328-C-T. GRCh37 (hg19) VCF-style: chr6-42146066-C-T.
Other names: c.250C>T, p.Leu84Phe (NM_000409.5, NM_001319061.2, NM_001319062.2); short protein forms L84F.
Identifiers: ClinVar variation 225232 (VCV000225232.11), dbSNP rs869320709, ClinGen allele CA358885.

ClinVar aggregate classification (germline): Pathogenic/Likely pathogenic. Review status: criteria provided, multiple submitters, no conflicts (2 of 4 stars). 6 submissions from 6 submitters: Pathogenic (3); Likely pathogenic (2). 1 of the submissions does not count toward it. Last evaluated 2025-01-13.

Conditions:
Retinal dystrophy. Also called: Inherited retinal dystrophy. Identifiers: Orphanet 71862, MedGen C0854723, MeSH D058499, MONDO:0019118, HP:0000556.
GUCA1A-related disorders.
Cone-rod dystrophy 14 (CORD14). Identifiers: MedGen CN322944, MONDO:0800326.
Cone dystrophy 3 (COD3). Also called: RETINAL CONE DYSTROPHY. Identifiers: Orphanet 1872, MedGen C1865869, MONDO:0011193, OMIM 602093.

Submissions (6):

Labcorp Genetics (formerly Invitae), Labcorp
Classification: Pathogenic. Last evaluated: 2025-01-13. Review status: criteria provided, single submitter. Criteria: Invitae Variant Classification Sherloc (09022015). Collection method: clinical testing. Allele origin: germline.
Comment: This sequence change replaces leucine, which is neutral and non-polar, with phenylalanine, which is neutral and non-polar, at codon 84 of the GUCA1A protein (p.Leu84Phe). This variant is not present in population databases (gnomAD no frequency). This missense change has been observed in individual(s) with GUCA1A-related conditions (PMID: 24024198). It has also been observed to segregate with disease in related individuals. ClinVar contains an entry for this variant (Variation ID: 225232). An algorithm developed to predict the effect of missense changes on protein structure and function (PolyPhen-2) suggests that this variant is likely to be disruptive. For these reasons, this variant has been classified as Pathogenic.

Blueprint Genetics
Classification: Pathogenic for GUCA1A-related disorders. Last evaluated: 2024-01-09. Review status: criteria provided, single submitter. Criteria: ACMG Guidelines, 2015. Collection method: clinical testing. Allele origin: germline. Affected: yes. Observed: 3 variant alleles.

Institute of Human Genetics, Univ. Regensburg, Univ. Regensburg
Classification: Pathogenic for Retinal dystrophy. Last evaluated: 2023-01-01. Review status: criteria provided, single submitter. Criteria: ACMG Guidelines, 2015. Collection method: clinical testing. Allele origin: germline. Affected: yes.

Institute of Medical Genetics and Applied Genomics, University Hospital Tübingen
Classification: Likely pathogenic. Last evaluated: 2021-06-17. Review status: criteria provided, single submitter. Criteria: ACMG Guidelines, 2015. Collection method: clinical testing. Allele origin: germline. Inheritance: Autosomal dominant inheritance. Affected: yes.

SIB Swiss Institute of Bioinformatics
Classification: Likely pathogenic for Cone dystrophy 3. Last evaluated: 2020-06-05. Review status: criteria provided, single submitter. Criteria: ACMG Guidelines, 2015. Collection method: curation. Allele origin: unknown.
Comment: This variant is interpreted as likely pathogenic for Cone-rod dystrophy 14, autosomal dominant. The following ACMG Tag(s) were applied: Absent from controls (or at extremely low frequency if recessive) in Exome Sequencing Project, 1000 Genomes Project, or Exome Aggregation Consortium (PM2); Located in a mutational hot spot and/or critical and well-established functional domain (e.g., active site of an enzyme) without benign variation (PM1); Multiple lines of computational evidence support a deleterious effect on the gene or gene product (PP3); Well-established functional studies show a deleterious effect (PS3 downgraded to supporting); Cosegregation with disease in multiple affected family members in a gene definitively known to cause the disease (PP1).

OMIM
Classification: Pathogenic for CONE-ROD DYSTROPHY 14. Last evaluated: 2016-04-12. Review status: no assertion criteria provided. Collection method: literature only. Allele origin: germline. Not counted in ClinVar's aggregate classification.

Literature cited by the submitters: PubMed 24024198 (cited by 4 submitters); PubMed 26358777 (cited by 3 submitters); PubMed 36259723 (cited by Institute of Human Genetics, Univ. Regensburg, Univ. Regensburg); PubMed 36460718 (cited by Institute of Human Genetics, Univ. Regensburg, Univ. Regensburg).